The following is an entry in ClinVar:

ClinVar aggregate classification (germline): Uncertain significance. Review status: criteria provided, multiple submitters, no conflicts (2 of 4 stars). 2 submissions from 2 submitters: Uncertain significance (2). Last evaluated 2024-09-25.

Allele frequency attached by ClinVar (database versions not stated): TOPMed below 0.00001; ExAC 0.00001.

Submissions (2):

Ambry Genetics
Classification: Uncertain significance. Last evaluated: 2024-09-25. Review status: criteria provided, single submitter. Criteria: Ambry Variant Classification Scheme 2023. Collection method: clinical testing. Allele origin: germline.

GeneDx
Classification: Uncertain significance. Last evaluated: 2015-04-18. Review status: criteria provided, single submitter. Criteria: GeneDx Variant Classification (06012015). Collection method: clinical testing. Allele origin: germline. Affected: yes.
Comment: The R202C variant in the LARS gene has not been published as a pathogenic variant, nor has it been reported as a benign polymorphism to our knowledge. The R202C variant was not observed in approximately 6,500 individuals of European and African American ancestry in the NHLBI Exome Sequencing Project, indicating it is not a common benign variant in these populations. The R202C variant is a non-conservative amino acid substitution, which is likely to impact secondary protein structure as these residues differ in polarity, charge, size and/or other properties. This substitution occurs at a position that is conserved across species and in silico analysis predicts this variant is probably damaging to the protein structure/function. We interpret R202C as a variant of unknown significance.

NM_020117.11(LARS1):c.604C>T (p.Arg202Cys)

Gene: LARS1 (leucyl-tRNA synthetase 1; minus strand). Cytogenetic location: 5q32.
Variant type: single nucleotide variant.
Coding change: c.604C>T on transcript NM_020117.11 (MANE Select); coding-DNA position 604, C replaced by T.
Protein change: p.Arg202Cys; replaces arginine 202 with cysteine.
Molecular consequence: missense variant.
Genome position (GRCh38, 1-based): chr5:146,160,477, G>A on the plus strand (C>T on the coding strand, the complement: LARS1 is on the minus strand). VCF-style: chr5-146160477-G-A. GRCh37 (hg19) VCF-style: chr5-145540040-G-A.
Other names: c.466C>T, p.Arg156Cys (NM_001317964.2); c.442C>T, p.Arg148Cys (NM_001317965.2); c.523C>T, p.Arg175Cys (NM_016460.4); short protein forms R202C, R156C, R175C, R148C.
Identifiers: ClinVar variation 449202 (VCV000449202.3), dbSNP rs764070641, ClinGen allele CA3489892.
Genomic context (GRCh38, chr5:146,160,477, plus strand): 5'-ATTGCCATCTGACAAATGAATCATAGTAAGGATTAACATCAGTGGTGATGAAGGAACGAC[G>A]CCAGTCTACCTATAAAAGGAAAATTTTAAAAGGCAATTACTGAGAAATACACAAATTTTG-3'
Protein context (NP_064502.9, residues 192-212): LKRMGLKVDW[Arg202Cys]RSFITTDVNP